The following is an entry in ClinVar:

NM_004104.5(FASN):c.3499G>T (p.Ala1167Ser)

Gene: FASN (fatty acid synthase; minus strand). Cytogenetic location: 17q25.3.
Variant type: single nucleotide variant.
Coding change: c.3499G>T on transcript NM_004104.5 (MANE Select); coding-DNA position 3499, G replaced by T.
Protein change: p.Ala1167Ser; replaces alanine 1167 with serine.
Molecular consequence: missense variant.
Genome position (GRCh38, 1-based): chr17:82,086,487, C>A on the plus strand (G>T on the coding strand, the complement: FASN is on the minus strand). VCF-style: chr17-82086487-C-A. GRCh37 (hg19) VCF-style: chr17-80044363-C-A.
Other names: short protein forms A1167S.
Identifiers: ClinVar variation 2113557 (VCV002113557.4), dbSNP rs758283388, ClinGen allele CA8852351.
Genomic context (GRCh38, chr17:82,086,487, plus strand): 5'-TGCAGGCAGCCGACAACAGCCGGGGCAGTTCCTGCTGTGAGGGGTCCCGGGGGATCTGGG[C>A]CCCATCCAGTCCGGGCACCACCATCTTCAGCCCCTGCTGGGTCACCTTGGTCTGCAGTGC-3'
Protein context (NP_004095.4, residues 1157-1177): LKMVVPGLDG[Ala1167Ser]QIPRDPSQQE

ClinVar aggregate classification (germline): Uncertain significance (1 of 4 stars; one submission).

Conditions:
Epileptic encephalopathy. Identifiers: MedGen C0543888, HP:0200134.

Allele frequency attached by ClinVar (database versions not stated): gnomAD exomes below 0.00001; ExAC 0.00001.
gnomAD v4.1: 1 of 1,612,464 alleles (0.000062%); highest among the groups gnomAD compares: Non-Finnish European, 0.000085%; no homozygotes.

Submission:

Labcorp Genetics (formerly Invitae), Labcorp
Classification: Uncertain significance for Epileptic encephalopathy. Last evaluated: 2022-03-18. Review status: criteria provided, single submitter. Criteria: Invitae Variant Classification Sherloc (09022015). Collection method: clinical testing. Allele origin: germline.
Comment: This sequence change replaces alanine, which is neutral and non-polar, with serine, which is neutral and polar, at codon 1167 of the FASN protein (p.Ala1167Ser). This variant is present in population databases (rs758283388, gnomAD 0.006%). This variant has not been reported in the literature in individuals affected with FASN-related conditions. Algorithms developed to predict the effect of missense changes on protein structure and function (SIFT, PolyPhen-2, Align-GVGD) all suggest that this variant is likely to be tolerated. In summary, the available evidence is currently insufficient to determine the role of this variant in disease. Therefore, it has been classified as a Variant of Uncertain Significance.